The following is an entry in ClinVar:

ClinVar aggregate classification (germline): Uncertain significance. Review status: criteria provided, multiple submitters, no conflicts (2 of 4 stars). 2 submissions from 2 submitters: Uncertain significance (2). Last evaluated 2026-01-04.

Conditions:
Aortic aneurysm, familial thoracic 7 (AAT7). Also called: AORTIC DISSECTION, FAMILIAL, WITH OR WITHOUT AORTIC ANEURYSM. Identifiers: MedGen C3151077, MONDO:0013418, OMIM 613780.
Familial thoracic aortic aneurysm and aortic dissection (TAAD). Also called: Thoracic aortic aneurysms and dissections. Identifiers: Orphanet 91387, MedGen C4707243, MONDO:0019625.

Allele frequency attached by ClinVar (database versions not stated): gnomAD 0.00001; TOPMed 0.00001.
gnomAD v4.1: 1 of 1,614,126 alleles (0.000062%); highest among the groups gnomAD compares: African/African-American, 0.0013%; no homozygotes.

Submissions (2):

Labcorp Genetics (formerly Invitae), Labcorp
Classification: Uncertain significance for Aortic aneurysm, familial thoracic 7. Last evaluated: 2026-01-04. Review status: criteria provided, single submitter. Criteria: Invitae Variant Classification Sherloc (09022015). Collection method: clinical testing. Allele origin: germline.
Comment: This sequence change replaces glutamine, which is neutral and polar, with arginine, which is basic and polar, at codon 1523 of the MYLK protein (p.Gln1523Arg). This variant is not present in population databases (gnomAD no frequency). This variant has not been reported in the literature in individuals affected with MYLK-related conditions. ClinVar contains an entry for this variant (Variation ID: 1741520). Invitae Evidence Modeling of protein sequence and biophysical properties (such as structural, functional, and spatial information, amino acid conservation, physicochemical variation, residue mobility, and thermodynamic stability) indicates that this missense variant is not expected to disrupt MYLK protein function with a negative predictive value of 80%. In summary, the available evidence is currently insufficient to determine the role of this variant in disease. Therefore, it has been classified as a Variant of Uncertain Significance.

Ambry Genetics
Classification: Uncertain significance for Familial thoracic aortic aneurysm and aortic dissection. Last evaluated: 2021-07-12. Review status: criteria provided, single submitter. Criteria: Ambry Variant Classification Scheme 2023. Collection method: clinical testing. Allele origin: germline.
Comment: The p.Q1523R variant (also known as c.4568A>G), located in coding exon 24 of the MYLK gene, results from an A to G substitution at nucleotide position 4568. The glutamine at codon 1523 is replaced by arginine, an amino acid with highly similar properties. This amino acid position is conserved. In addition, the in silico prediction for this alteration is inconclusive. Since supporting evidence is limited at this time, the clinical significance of this alteration remains unclear.

NM_053025.4(MYLK):c.4568A>G (p.Gln1523Arg)

Gene: MYLK (myosin light chain kinase; minus strand). Cytogenetic location: 3q21.1.
Variant type: single nucleotide variant.
Coding change: c.4568A>G on transcript NM_053025.4 (MANE Select); coding-DNA position 4568, A replaced by G.
Protein change: p.Gln1523Arg; replaces glutamine 1523 with arginine.
Molecular consequence: missense variant.
Genome position (GRCh38, 1-based): chr3:123,647,275, T>C on the plus strand (A>G on the coding strand, the complement: MYLK is on the minus strand). VCF-style: chr3-123647275-T-C. GRCh37 (hg19) VCF-style: chr3-123366122-T-C.
Other names: c.4040A>G, p.Gln1347Arg (NM_001321309.2); c.4361A>G, p.Gln1454Arg (NM_053026.4, NM_053028.4); c.4568A>G, p.Gln1523Arg (NM_053027.4); short protein forms Q1347R, Q1523R, Q1454R.
Identifiers: ClinVar variation 1741520 (VCV001741520.4), dbSNP rs762727464, ClinGen allele CA354227055.